The following is an entry in ClinVar:

ClinVar aggregate classification (germline): Benign. Review status: criteria provided, multiple submitters, no conflicts (2 of 4 stars). 3 submissions from 3 submitters: Benign (3). Last evaluated 2021-07-10.

Conditions:
Mitochondrial DNA depletion syndrome 1. Also called: Mitochondrial DNA depletion syndrome 1 (MNGIE type); Mitochondrial neurogastrointestinal encephalomyopathy syndrome; MITOCHONDRIAL NEUROGASTROINTESTINAL ENCEPHALOPATHY SYNDROME, TYMP-RELATED; MNGIE, TYMP-RELATED; Mitochondrial Neurogastrointestinal Encephalopathy Disease; Mitochondrial DNA Depletion Syndrome, MNGIE Form. Identifiers: Orphanet 298, MedGen C4551995, MONDO:0011283, OMIM 603041.

Allele frequency attached by ClinVar (database versions not stated): ESP Exome Variant Server 0.52846; TOPMed 0.54020; gnomAD 0.54142 and 0.55008; 1000 Genomes Project 30x 0.54934; 1000 Genomes Project 0.55471.

Submissions (3):

Genome-Nilou Lab
Classification: Benign for Mitochondrial DNA depletion syndrome 1. Last evaluated: 2021-07-10. Review status: criteria provided, single submitter. Criteria: ACMG Guidelines, 2015. Collection method: clinical testing. Allele origin: germline. Affected: no.

GeneDx
Classification: Benign. Last evaluated: 2018-06-14. Review status: criteria provided, single submitter. Criteria: GeneDx Variant Classification (06012015). Collection method: clinical testing. Allele origin: germline. Affected: yes.
Comment: This variant is considered likely benign or benign based on one or more of the following criteria: it is a conservative change, it occurs at a poorly conserved position in the protein, it is predicted to be benign by multiple in silico algorithms, and/or has population frequency not consistent with disease.

Breakthrough Genomics
Classification: Benign. Review status: criteria provided, single submitter. Criteria: ACMG Guidelines, 2015. Collection method: not provided. Allele origin: germline. Inheritance: Autosomal recessive inheritance. Affected: yes.

NM_001953.5(TYMP):c.516+27A>G

Gene: TYMP (thymidine phosphorylase; minus strand). Cytogenetic location: 22q13.33.
Variant type: single nucleotide variant.
Coding change: c.516+27A>G on transcript NM_001953.5 (MANE Select); 27 bases into the intron after coding-DNA position 516, A replaced by G.
Molecular consequence: intron variant.
Genome position (GRCh38, 1-based): chr22:50,528,485, T>C on the plus strand (A>G on the coding strand, the complement: TYMP is on the minus strand). VCF-style: chr22-50528485-T-C. GRCh37 (hg19) VCF-style: chr22-50966914-T-C.
Other names: c.516+27A>G (NM_001257989.1, NM_001257988.1, NM_001113755.3 and 1 more transcripts).
Identifiers: ClinVar variation 671618 (VCV000671618.5), dbSNP rs470119, ClinGen allele CA10321731.